The following is an entry in ClinVar:

NM_000070.3(CAPN3):c.325C>A (p.Pro109Thr)

Gene: CAPN3 (calpain 3; plus strand). Cytogenetic location: 15q15.1.
Variant type: single nucleotide variant.
Coding change: c.325C>A on transcript NM_000070.3 (MANE Select); coding-DNA position 325, C replaced by A.
Protein change: p.Pro109Thr; replaces proline 109 with threonine.
Molecular consequence: missense variant.
Genome position (GRCh38, 1-based): chr15:42,384,498, C>A. VCF-style: chr15-42384498-C-A. GRCh37 (hg19) VCF-style: chr15-42676696-C-A.
Other names: c.325C>A, p.Pro109Thr (NM_024344.2, NM_173087.2); short protein forms P109T.
Identifiers: ClinVar variation 3629842 (VCV003629842.1).

ClinVar aggregate classification (germline): Uncertain significance (1 of 4 stars; one submission).

Submission:

Women's Health and Genetics/Laboratory Corporation of America, LabCorp
Classification: Uncertain significance. Last evaluated: 2024-11-04. Review status: criteria provided, single submitter. Criteria: LabCorp Variant Classification Summary - May 2015. Collection method: clinical testing. Allele origin: germline.
Comment: Variant summary: CAPN3 c.325C>A (p.Pro109Thr) results in a non-conservative amino acid change located in the Peptidase C2, calpain, catalytic domain (IPR001300) of the encoded protein sequence. Five of five in-silico tools predict a damaging effect of the variant on protein function. The variant was absent in 251442 control chromosomes. The available data on variant occurrences in the general population are insufficient to allow any conclusion about variant significance. c.325C>A has been reported in the literature in individuals affected with Limb-Girdle Muscular Dystrophy, Autosomal Recessive 1 without reported genotype (e.g. Zhong_2021). This report does not provide unequivocal conclusions about association of the variant with Limb-Girdle Muscular Dystrophy, Autosomal Recessive. To our knowledge, no experimental evidence demonstrating an impact on protein function has been reported. The following publication has been ascertained in the context of this evaluation (PMID: 32994280). No submitters have cited clinical-significance assessments for this variant to ClinVar. Based on the evidence outlined above, the variant was classified as uncertain significance.

Literature cited by the submitters: PubMed 32994280.